The following is an entry in ClinVar:

NM_007175.8(ERLIN2):c.660del (p.Val221fs)

Gene: ERLIN2 (ER lipid raft associated 2; plus strand). Cytogenetic location: 8p11.23.
Variant type: Deletion.
Coding change: c.660del on transcript NM_007175.8 (MANE Select); coding-DNA position 660, one base deleted (A; older notation c.660delA).
Protein change: p.Val221fs; shifts the reading frame from valine 221.
Molecular consequence: frameshift variant.
Genome position (GRCh38, 1-based): chr8:37,751,636, A deleted; the last of 5 consecutive A bases (chr8:37,751,632-37,751,636); deleting any one gives the same sequence. VCF-style (leftmost placement, unchanged base first): chr8-37751631-GA-G. GRCh37 (hg19) VCF-style: chr8-37609149-GA-G.
Other names: c.660delA (NM_007175.8); c.660del, p.Val221fs (NM_001362878.2); short protein forms V221fs.
Identifiers: ClinVar variation 2663863 (VCV002663863.3), dbSNP rs2487332031, ClinGen allele CA2686897473.

ClinVar aggregate classification (germline): Pathogenic (1 of 4 stars; one submission).

Conditions:
Hereditary spastic paraplegia 18. Identifiers: Orphanet 209951, MedGen C2749936, MONDO:0012639.

Submission:

Progenie Molecular
Classification: Pathogenic for Spastic paraplegia 18b, autosomal recessive. Last evaluated: 2024-09-27. Review status: criteria provided, single submitter. Criteria: ACMG Guidelines, 2015. Collection method: clinical testing. Allele origin: germline. Inheritance: Autosomal recessive inheritance. Affected: yes. Observed: 3 variant alleles, 3 compound heterozygotes. Clinical features observed: Spastic paraplegia (HP:0001258), Lower limb spasticity (HP:0002061), Gait disturbance (HP:0001288), Clubfoot (HP:0001762).
Comment: In silico analysis predicted that the c.660delA is probably deleterious, causing a frameshift that generates a premature stop codon, which is expected to cause nonsense-mediated mRNA decay and absence of the protein. Null effect of the ERLIN2 gene is a known cause of the disease. The variant has a frequency of 6.846e-7 in gnomAD and was absent in 1000 Genomes and European Variation Archive. In summary, we consider the c.660delA variant to be pathogenic, as it meets the ACMG-AMP PVS1, PM2 and PP1 criteria.